The following is an entry in ClinVar:

ClinVar aggregate classification (germline): Uncertain significance (1 of 4 stars; one submission).

Conditions:
Multiple congenital anomalies-hypotonia-seizures syndrome 1 (MCAHS1). Also called: PIGN-CDG; Congenital disorder of glycosylation due to PIGN deficiency; GLYCOSYLPHOSPHATIDYLINOSITOL BIOSYNTHESIS DEFECT 3. Identifiers: Orphanet 280633, MedGen C3279775, MONDO:0013563, OMIM 614080.

Allele frequency attached by ClinVar (database versions not stated): TOPMed below 0.00001.
gnomAD v4.1: 14 of 1,538,354 alleles (0.00091%); highest among the groups gnomAD compares: Middle Eastern, 0.017%; no homozygotes.

Submission:

Labcorp Genetics (formerly Invitae), Labcorp
Classification: Uncertain significance for Multiple congenital anomalies-hypotonia-seizures syndrome 1. Last evaluated: 2022-03-16. Review status: criteria provided, single submitter. Criteria: Invitae Variant Classification Sherloc (09022015). Collection method: clinical testing. Allele origin: germline.
Comment: This sequence change replaces isoleucine, which is neutral and non-polar, with valine, which is neutral and non-polar, at codon 765 of the PIGN protein (p.Ile765Val). This variant is not present in population databases (gnomAD no frequency). In summary, the available evidence is currently insufficient to determine the role of this variant in disease. Therefore, it has been classified as a Variant of Uncertain Significance. Algorithms developed to predict the effect of missense changes on protein structure and function output the following: SIFT: "Tolerated"; PolyPhen-2: "Benign"; Align-GVGD: "Class C0". The valine amino acid residue is found in multiple mammalian species, which suggests that this missense change does not adversely affect protein function. This variant has not been reported in the literature in individuals affected with PIGN-related conditions.

NM_176787.5(PIGN):c.2293A>G (p.Ile765Val)

Gene: PIGN (phosphatidylinositol glycan anchor biosynthesis class N; minus strand). Cytogenetic location: 18q21.33.
Variant type: single nucleotide variant.
Coding change: c.2293A>G on transcript NM_176787.5 (MANE Select); coding-DNA position 2293, A replaced by G.
Protein change: p.Ile765Val; replaces isoleucine 765 with valine.
Molecular consequence: missense variant.
Genome position (GRCh38, 1-based): chr18:62,088,833, T>C on the plus strand (A>G on the coding strand, the complement: PIGN is on the minus strand). VCF-style: chr18-62088833-T-C. GRCh37 (hg19) VCF-style: chr18-59756066-T-C.
Other names: c.2293A>G, p.Ile765Val (NM_012327.6); short protein forms I765V.
Identifiers: ClinVar variation 1503173 (VCV001503173.4), dbSNP rs974084659, ClinGen allele CA301694128.